The following is an entry in ClinVar:

NM_203475.3(PORCN):c.628G>T (p.Val210Leu)

Gene: PORCN (porcupine O-acyltransferase; plus strand). Cytogenetic location: Xp11.23.
Variant type: single nucleotide variant.
Coding change: c.628G>T on transcript NM_203475.3 (MANE Select); coding-DNA position 628, G replaced by T.
Protein change: p.Val210Leu; replaces valine 210 with leucine.
Molecular consequence: missense variant.
Genome position (GRCh38, 1-based): chrX:48,512,661, G>T. VCF-style: chrX-48512661-G-T. GRCh37 (hg19) VCF-style: chrX-48371049-G-T.
Other names: c.415G>T, p.Val139Leu (NM_001282167.2); c.628G>T, p.Val210Leu (NM_022825.4, NM_203473.3, NM_203474.1); short protein forms V139L, V210L.
Identifiers: ClinVar variation 2412895 (VCV002412895.2), dbSNP rs2519454965, ClinGen allele CA412845147.

ClinVar aggregate classification (germline): Uncertain significance (1 of 4 stars; one submission).

Submission:

GeneDx
Classification: Uncertain significance. Last evaluated: 2022-07-26. Review status: criteria provided, single submitter. Criteria: GeneDx Variant Classification Process June 2021. Collection method: clinical testing. Allele origin: germline. Affected: yes.
Comment: Not observed at significant frequency in large population cohorts (gnomAD); In silico analysis supports that this missense variant does not alter protein structure/function; Has not been previously published as pathogenic or benign to our knowledge